The following is an entry in ClinVar:

NM_004371.4(COPA):c.1429G>C (p.Val477Leu)

Gene: COPA (coat protein complex I subunit alpha; minus strand). Cytogenetic location: 1q23.2.
Variant type: single nucleotide variant.
Coding change: c.1429G>C on transcript NM_004371.4 (MANE Select); coding-DNA position 1429, G replaced by C.
Protein change: p.Val477Leu; replaces valine 477 with leucine.
Molecular consequence: missense variant.
Genome position (GRCh38, 1-based): chr1:160,306,367, C>G on the plus strand (G>C on the coding strand, the complement: COPA is on the minus strand). VCF-style: chr1-160306367-C-G. GRCh37 (hg19) VCF-style: chr1-160276157-C-G.
Other names: c.1429G>C, p.Val477Leu (NM_001098398.2); short protein forms V477L.
Identifiers: ClinVar variation 4741300 (VCV004741300.1).

ClinVar aggregate classification (germline): Uncertain significance (1 of 4 stars; one submission).

Conditions:
Autoimmune interstitial lung disease-arthritis syndrome. Also called: Autoinflammation and autoimmunity, systemic, with immune dysregulation. Identifiers: Orphanet 444092, MedGen C5975714, MONDO:0014629.

Submission:

Labcorp Genetics (formerly Invitae), Labcorp
Classification: Uncertain significance for Autoimmune interstitial lung disease-arthritis syndrome. Last evaluated: 2025-06-27. Review status: criteria provided, single submitter. Criteria: Invitae Variant Classification Sherloc (09022015). Collection method: clinical testing. Allele origin: germline.
Comment: This sequence change replaces valine, which is neutral and non-polar, with leucine, which is neutral and non-polar, at codon 477 of the COPA protein (p.Val477Leu). This variant is not present in population databases (gnomAD no frequency). This variant has not been reported in the literature in individuals affected with COPA-related conditions. Invitae Evidence Modeling of protein sequence and biophysical properties (such as structural, functional, and spatial information, amino acid conservation, physicochemical variation, residue mobility, and thermodynamic stability) indicates that this missense variant is not expected to disrupt COPA protein function with a negative predictive value of 80%. In summary, the available evidence is currently insufficient to determine the role of this variant in disease. Therefore, it has been classified as a Variant of Uncertain Significance.